The following is an entry in ClinVar:

NM_005188.4(CBL):c.2017A>T (p.Ile673Phe)

Gene: CBL (Cbl proto-oncogene; plus strand). Cytogenetic location: 11q23.3.
Variant type: single nucleotide variant.
Coding change: c.2017A>T on transcript NM_005188.4 (MANE Select); coding-DNA position 2017, A replaced by T.
Protein change: p.Ile673Phe; replaces isoleucine 673 with phenylalanine.
Molecular consequence: missense variant.
Genome position (GRCh38, 1-based): chr11:119,287,927, A>T. VCF-style: chr11-119287927-A-T. GRCh37 (hg19) VCF-style: chr11-119158637-A-T.
Other names: short protein forms I673F.
Identifiers: ClinVar variation 4219882 (VCV004219882.1).

ClinVar aggregate classification (germline): Uncertain significance (1 of 4 stars; one submission).

Conditions:
Cardiovascular phenotype. Identifiers: MedGen CN230736.

Submission:

Ambry Genetics
Classification: Uncertain significance for Cardiovascular phenotype. Last evaluated: 2025-07-31. Review status: criteria provided, single submitter. Criteria: Ambry Variant Classification Scheme 2023. Collection method: clinical testing. Allele origin: germline.
Comment: The p.I673F variant (also known as c.2017A>T), located in coding exon 12 of the CBL gene, results from an A to T substitution at nucleotide position 2017. The isoleucine at codon 673 is replaced by phenylalanine, an amino acid with highly similar properties. This amino acid position is conserved. In addition, the in silico prediction for this alteration is inconclusive. Based on the available evidence, the clinical significance of this variant remains unclear.